The following is an entry in ClinVar:

NM_005802.5(TOPORS):c.2769T>A (p.Asp923Glu)

Gene: TOPORS (TOP1 binding arginine/serine rich protein, E3 ubiquitin ligase; minus strand). Cytogenetic location: 9p21.1.
Variant type: single nucleotide variant.
Coding change: c.2769T>A on transcript NM_005802.5 (MANE Select); coding-DNA position 2769, T replaced by A.
Protein change: p.Asp923Glu; replaces aspartic acid 923 with glutamic acid.
Molecular consequence: missense variant.
Genome position (GRCh38, 1-based): chr9:32,541,756, A>T on the plus strand (T>A on the coding strand, the complement: TOPORS is on the minus strand). VCF-style: chr9-32541756-A-T. GRCh37 (hg19) VCF-style: chr9-32541754-A-T.
Other names: c.2574T>A, p.Asp858Glu (NM_001195622.2); short protein forms D923E, D858E.
Identifiers: ClinVar variation 1957782 (VCV001957782.5), dbSNP rs758943758, ClinGen allele CA5020309.

ClinVar aggregate classification (germline): Uncertain significance (1 of 4 stars; one submission).

Allele frequency attached by ClinVar (database versions not stated): ExAC 0.00002.

Submission:

Labcorp Genetics (formerly Invitae), Labcorp
Classification: Uncertain significance. Last evaluated: 2022-07-31. Review status: criteria provided, single submitter. Criteria: Invitae Variant Classification Sherloc (09022015). Collection method: clinical testing. Allele origin: germline.
Comment: This sequence change replaces aspartic acid, which is acidic and polar, with glutamic acid, which is acidic and polar, at codon 923 of the TOPORS protein (p.Asp923Glu). In summary, the available evidence is currently insufficient to determine the role of this variant in disease. Therefore, it has been classified as a Variant of Uncertain Significance. Algorithms developed to predict the effect of missense changes on protein structure and function are either unavailable or do not agree on the potential impact of this missense change (SIFT: "Tolerated"; PolyPhen-2: "Not Available"; Align-GVGD: "Class C0"). This variant has not been reported in the literature in individuals affected with TOPORS-related conditions. This variant is present in population databases (rs758943758, gnomAD 0.002%).